The following is an entry in ClinVar:

ClinVar aggregate classification (germline): Uncertain significance (1 of 4 stars; one submission).

Submission:

CeGaT Center for Human Genetics Tuebingen
Classification: Uncertain significance. Last evaluated: 2022-10-01. Review status: criteria provided, single submitter. Criteria: CeGaT Center For Human Genetics Tuebingen Variant Classification Criteria Version 2. Collection method: clinical testing. Allele origin: germline. Affected: yes. Observed: 1 variant allele.
Comment: WDFY3: PM2, PP2

NM_014991.6(WDFY3):c.3007C>G (p.Arg1003Gly)

Genes: WDFY3 (WD repeat and FYVE domain containing 3; minus strand), WDFY3-AS1 (WDFY3 antisense RNA 1; plus strand). Cytogenetic location: 4q21.23.
Variant type: single nucleotide variant.
Coding change: c.3007C>G on transcript NM_014991.6 (MANE Select); coding-DNA position 3007, C replaced by G.
Protein change: p.Arg1003Gly; replaces arginine 1003 with glycine.
Molecular consequence: missense variant. On other transcripts: non-coding transcript variant (1).
Genome position (GRCh38, 1-based): chr4:84,796,681, G>C on the plus strand (C>G on the coding strand, the complement: WDFY3 is on the minus strand). VCF-style: chr4-84796681-G-C. GRCh37 (hg19) VCF-style: chr4-85717834-G-C.
Other names: short protein forms R1003G.
Identifiers: ClinVar variation 2654875 (VCV002654875.24), dbSNP rs776261178, ClinGen allele CA357562107.